The following is an entry in ClinVar:

ClinVar aggregate classification (germline): Likely benign. Review status: criteria provided, multiple submitters, no conflicts (2 of 4 stars). 2 submissions from 2 submitters: Likely benign (2). Last evaluated 2026-01-21.

Conditions:
VPS13B-related disorder. Also called: VPS13B-related condition.
Cohen syndrome (COH1). Also called: PEPPER SYNDROME; Cutis verticis gyrata, retinitis pigmentosa, and sensorineural deafness. Identifiers: Orphanet 193, MedGen C0265223, MONDO:0008999, OMIM 216550.

Allele frequency attached by ClinVar (database versions not stated): TOPMed below 0.00001; gnomAD exomes 0.00001.
gnomAD v4.1: 3 of 1,614,054 alleles (0.00019%); highest among the groups gnomAD compares: Non-Finnish European, 0.00025%; no homozygotes.

Submissions (2):

PreventionGenetics, part of Exact Sciences
Classification: Likely benign for VPS13B-related condition. Last evaluated: 2026-01-21. Review status: criteria provided, single submitter. Criteria: ACMG Guidelines, 2015. Collection method: clinical testing. Allele origin: germline.
Comment: This variant is classified as likely benign based on ACMG/AMP sequence variant interpretation guidelines (Richards et al. 2015 PMID: 25741868, with internal and published modifications).

Labcorp Genetics (formerly Invitae), Labcorp
Classification: Likely benign for Cohen syndrome. Last evaluated: 2025-12-23. Review status: criteria provided, single submitter. Criteria: Invitae Variant Classification Sherloc (09022015). Collection method: clinical testing. Allele origin: germline.

NM_152564.5(VPS13B):c.5490C>G (p.Ala1830=)

Gene: VPS13B (vacuolar protein sorting 13 homolog B; plus strand). Cytogenetic location: 8q22.2.
Variant type: single nucleotide variant.
Coding change: c.5490C>G on transcript NM_152564.5 (MANE Select); coding-DNA position 5490, C replaced by G.
Protein change: p.Ala1830=; no amino-acid change (alanine 1830 retained).
Molecular consequence: synonymous variant.
Genome position (GRCh38, 1-based): chr8:99,642,080, C>G. VCF-style: chr8-99642080-C-G. GRCh37 (hg19) VCF-style: chr8-100654308-C-G.
Other names: c.5565C>G, p.Ala1855= (NM_017890.5); c.5490C>G (NM_152564.4).
Identifiers: ClinVar variation 1672687 (VCV001672687.9), dbSNP rs1829392538, ClinGen allele CA462464320.